The following is an entry in ClinVar:

NM_001318852.2(MAPK8IP3):c.2472C>T (p.Pro824=)

Gene: MAPK8IP3 (mitogen-activated protein kinase 8 interacting protein 3; plus strand). Cytogenetic location: 16p13.3.
Variant type: single nucleotide variant.
Coding change: c.2472C>T on transcript NM_001318852.2 (MANE Select); coding-DNA position 2472, C replaced by T.
Protein change: p.Pro824=; no amino-acid change (proline 824 retained).
Molecular consequence: synonymous variant.
Genome position (GRCh38, 1-based): chr16:1,765,985, C>T. VCF-style: chr16-1765985-C-T. GRCh37 (hg19) VCF-style: chr16-1815986-C-T.
Other names: c.2451C>T, p.Pro817= (NM_001040439.2); c.2469C>T, p.Pro823= (NM_015133.5, NM_033392.3).
Identifiers: ClinVar variation 1694772 (VCV001694772.31), dbSNP rs200111591, ClinGen allele CA7817305.

ClinVar aggregate classification (germline): Likely benign (1 of 4 stars; one submission).

Allele frequency attached by ClinVar (database versions not stated): ESP Exome Variant Server 0.00032; 1000 Genomes Project 30x 0.00047; ExAC 0.00053; 1000 Genomes Project 0.00060.
gnomAD v4.1: 529 of 1,612,508 alleles (0.033%); highest among the groups gnomAD compares: East Asian, 0.12%; no homozygotes.

Submission:

CeGaT Center for Human Genetics Tuebingen
Classification: Likely benign. Last evaluated: 2025-06-01. Review status: criteria provided, single submitter. Criteria: CeGaT Center For Human Genetics Tuebingen Variant Classification Criteria Version 2. Collection method: clinical testing. Allele origin: germline. Affected: yes. Observed: 6 variant alleles.
Comment: MAPK8IP3: BP4, BP7